The following is an entry in ClinVar:

NM_199420.4(POLQ):c.3311G>A (p.Ser1104Asn)

Gene: POLQ (DNA polymerase theta; minus strand). Cytogenetic location: 3q13.33.
Variant type: single nucleotide variant.
Coding change: c.3311G>A on transcript NM_199420.4 (MANE Select); coding-DNA position 3311, G replaced by A.
Protein change: p.Ser1104Asn; replaces serine 1104 with asparagine.
Molecular consequence: missense variant.
Genome position (GRCh38, 1-based): chr3:121,489,620, C>T on the plus strand (G>A on the coding strand, the complement: POLQ is on the minus strand). VCF-style: chr3-121489620-C-T. GRCh37 (hg19) VCF-style: chr3-121208467-C-T.
Other names: short protein forms S1104N.
Identifiers: ClinVar variation 1730095 (VCV001730095.3), dbSNP rs2048047502, ClinGen allele CA354100741.

ClinVar aggregate classification (germline): Uncertain significance (1 of 4 stars; one submission).

Allele frequency attached by ClinVar (database versions not stated): gnomAD 0.00001; gnomAD exomes 0.00001.
gnomAD v4.1: 12 of 1,613,776 alleles (0.00074%); highest among the groups gnomAD compares: Non-Finnish European, 0.001%; no homozygotes.

Submission:

Ambry Genetics
Classification: Uncertain significance. Last evaluated: 2024-10-21. Review status: criteria provided, single submitter. Criteria: Ambry Variant Classification Scheme 2023. Collection method: clinical testing. Allele origin: germline.
Comment: The p.S1104N variant (also known as c.3311G>A), located in coding exon 16 of the POLQ gene, results from a G to A substitution at nucleotide position 3311. The serine at codon 1104 is replaced by asparagine, an amino acid with highly similar properties. This amino acid position is conserved. In addition, this alteration is predicted to be tolerated by in silico analysis. Since supporting evidence is limited at this time, the clinical significance of this alteration remains unclear.